The following is an entry in ClinVar:

NM_007144.3(PCGF2):c.714_731dup (p.Pro244_Ser245insAlaThrValProThrPro)

Genes: CISD3 (CDGSH iron sulfur domain 3; plus strand), PCGF2 (polycomb group ring finger 2; minus strand). Cytogenetic location: 17q12.
Variant type: Duplication.
Coding change: c.714_731dup on transcript NM_007144.3 (MANE Select); coding-DNA positions 714 to 731, 18 bases duplicated (AGCCACGGTGCCCACCCC).
Protein change: p.Pro244_Ser245insAlaThrValProThrPro.
Molecular consequence: inframe insertion. On other transcripts: 3 prime UTR variant (1).
Genome position (GRCh38, 1-based): chr17:38,735,527-38,735,544, GGGGTGGGCACCGTGGCT duplicated on the plus strand (AGCCACGGTGCCCACCCC on the coding strand, the reverse complement: PCGF2 is on the minus strand). VCF-style (leftmost placement, unchanged base first): chr17-38735526-G-GGGGGTGGGCACCGTGGCT. GRCh37 (hg19) VCF-style: chr17-36891779-G-GGGGGTGGGCACCGTGGCT.
Other names: c.*2072_*2089dup (NM_001136498.2); c.714_731dup, p.Pro244_Ser245insAlaThrValProThrPro (NM_001369614.1, NM_001369615.1).
Identifiers: ClinVar variation 1404261 (VCV001404261.8), dbSNP rs1906636044, ClinGen allele CA2258768288.

ClinVar aggregate classification (germline): Uncertain significance (1 of 4 stars; one submission).

Allele frequency attached by ClinVar (database versions not stated): gnomAD exomes 0.00001.

Submission:

Labcorp Genetics (formerly Invitae), Labcorp
Classification: Uncertain significance. Last evaluated: 2021-07-14. Review status: criteria provided, single submitter. Criteria: Invitae Variant Classification Sherloc (09022015). Collection method: clinical testing. Allele origin: germline.
Comment: This variant, c.714_731dup, results in the insertion of 6 amino acid(s) to the PCGF2 protein (p.Ala239_Pro244dup), but otherwise preserves the integrity of the reading frame. This variant is not present in population databases (ExAC no frequency). This variant has not been reported in the literature in individuals affected with PCGF2-related conditions. Algorithms developed to predict the effect of sequence changes on RNA splicing suggest that this variant may create or strengthen a splice site. In summary, the available evidence is currently insufficient to determine the role of this variant in disease. Therefore, it has been classified as a Variant of Uncertain Significance.